The following is an entry in ClinVar:

NM_019098.5(CNGB3):c.1663-1209T>A

Gene: CNGB3 (cyclic nucleotide gated channel subunit beta 3; minus strand). Cytogenetic location: 8q21.3.
Variant type: single nucleotide variant.
Coding change: c.1663-1209T>A on transcript NM_019098.5 (MANE Select); 1209 bases into the intron before coding-DNA position 1663, T replaced by A.
Molecular consequence: intron variant.
Genome position (GRCh38, 1-based): chr8:86,605,420, A>T on the plus strand (T>A on the coding strand, the complement: CNGB3 is on the minus strand). VCF-style: chr8-86605420-A-T. GRCh37 (hg19) VCF-style: chr8-87617648-A-T.
Identifiers: ClinVar variation 4986726 (VCV004986726.1).

ClinVar aggregate classification (germline): Likely benign (1 of 4 stars; one submission).

Conditions:
CNGB3-related disorder. Also called: CNGB3-related condition; CNGB3-related disorders. Identifiers: MedGen CN239340.

gnomAD v4.1: 24 of 152,244 alleles (0.016%); highest among the groups gnomAD compares: African/African-American, 0.055%; no homozygotes.

Submission:

PreventionGenetics, part of Exact Sciences
Classification: Likely benign for CNGB3-related condition. Last evaluated: 2026-08-24. Review status: criteria provided, single submitter. Criteria: ACMG Guidelines, 2015. Collection method: clinical testing. Allele origin: germline.
Comment: This variant is classified as likely benign based on ACMG/AMP sequence variant interpretation guidelines (Richards et al. 2015 PMID: 25741868, with internal and published modifications).